The following is an entry in ClinVar:

NM_020738.4(KIDINS220):c.4491C>T (p.Ser1497=)

Gene: KIDINS220 (kinase D interacting substrate 220; minus strand). Cytogenetic location: 2p25.1.
Variant type: single nucleotide variant.
Coding change: c.4491C>T on transcript NM_020738.4 (MANE Select); coding-DNA position 4491, C replaced by T.
Protein change: p.Ser1497=; no amino-acid change (serine 1497 retained).
Molecular consequence: synonymous variant. On other transcripts: intron variant (6).
Genome position (GRCh38, 1-based): chr2:8,731,545, G>A on the plus strand (C>T on the coding strand, the complement: KIDINS220 is on the minus strand). VCF-style: chr2-8731545-G-A. GRCh37 (hg19) VCF-style: chr2-8871675-G-A.
Other names: c.4494C>T, p.Ser1498= (NM_001348729.2); c.4437C>T, p.Ser1479= (NM_001348731.2); c.4434C>T, p.Ser1478= (NM_001348732.2); c.4323C>T, p.Ser1441= (NM_001348734.2); c.4320C>T, p.Ser1440= (NM_001348735.2); c.4194C>T, p.Ser1398= (NM_001348736.2); c.3882+1899C>T (NM_001348741.2, NM_001348742.2, NM_001348743.2); c.3996+1899C>T (NM_001348738.2); and 2 more.
Identifiers: ClinVar variation 2650645 (VCV002650645.26), dbSNP rs572423915, ClinGen allele CA1519361.
Genomic context (GRCh38, chr2:8,731,545, plus strand): 5'-TTGATAGCGCAGCCCACTTCCCTTAAGCTTCAAATCTGTCTGGAAGAGGCTTGACCTTTC[G>A]GAAGATTTCTTGCCTGGGAGAAGCTTACTGCCTGACTGATCTGATTTTTCATCTTCTTCA-3'
Protein context (NP_065789.1, residues 1487-1507): GSKLLPGKKS[Ser1497=]ERSSLFQTDL

ClinVar aggregate classification (germline): Likely benign. Review status: criteria provided, multiple submitters, no conflicts (2 of 4 stars). 3 submissions from 3 submitters: Likely benign (2). 1 of the submissions does not count toward it. Last evaluated 2026-04-01.

Conditions:
KIDINS220-related disorder. Also called: KIDINS220-related condition.

Allele frequency attached by ClinVar (database versions not stated): TOPMed 0.00006; gnomAD 0.00009; ExAC 0.00013; 1000 Genomes Project 30x 0.00047; 1000 Genomes Project 0.00060.
gnomAD v4.1: 83 of 1,614,070 alleles (0.0051%); highest among the groups gnomAD compares: East Asian, 0.11%; 1 homozygote.

Submissions (3):

CeGaT Center for Human Genetics Tuebingen
Classification: Likely benign. Last evaluated: 2026-04-01. Review status: criteria provided, single submitter. Criteria: CeGaT Center For Human Genetics Tuebingen Variant Classification Criteria Version 2. Collection method: clinical testing. Allele origin: germline. Affected: yes. Observed: 2 variant alleles.
Comment: KIDINS220: BP4, BP7

Labcorp Genetics (formerly Invitae), Labcorp
Classification: Likely benign. Last evaluated: 2024-05-07. Review status: criteria provided, single submitter. Criteria: Invitae Variant Classification Sherloc (09022015). Collection method: clinical testing. Allele origin: germline.

PreventionGenetics, part of Exact Sciences
Classification: Likely benign for KIDINS220-related condition. Last evaluated: 2022-10-07. Review status: no assertion criteria provided. Collection method: clinical testing. Allele origin: germline. Not counted in ClinVar's aggregate classification.
Comment: This variant is classified as likely benign based on ACMG/AMP sequence variant interpretation guidelines (Richards et al. 2015 PMID: 25741868, with internal and published modifications).